The following is an entry in ClinVar:

ClinVar aggregate classification (germline): Uncertain significance (1 of 4 stars; one submission).

Submission:

GeneDx
Classification: Uncertain significance. Last evaluated: 2024-03-27. Review status: criteria provided, single submitter. Criteria: GeneDx Variant Classification Process June 2021. Collection method: clinical testing. Allele origin: germline. Affected: yes.
Comment: Not observed at significant frequency in large population cohorts (gnomAD); In silico analysis supports that this missense variant has a deleterious effect on protein structure/function; Has not been previously published as pathogenic or benign to our knowledge

NM_001283009.2(RTEL1):c.2084T>A (p.Ile695Asn)

Genes: RTEL1 (regulator of telomere elongation helicase 1; plus strand), RTEL1-TNFRSF6B (RTEL1-TNFRSF6B readthrough (NMD candidate); plus strand). Cytogenetic location: 20q13.33.
Variant type: single nucleotide variant.
Coding change: c.2084T>A on transcript NM_001283009.2 (MANE Select); coding-DNA position 2084, T replaced by A.
Protein change: p.Ile695Asn; replaces isoleucine 695 with asparagine.
Molecular consequence: missense variant. On other transcripts: non-coding transcript variant (1).
Genome position (GRCh38, 1-based): chr20:63,689,808, T>A. VCF-style: chr20-63689808-T-A. GRCh37 (hg19) VCF-style: chr20-62321161-T-A.
Other names: c.1415T>A, p.Ile472Asn (NM_001283010.1); c.2084T>A, p.Ile695Asn (NM_016434.4); c.2156T>A, p.Ile719Asn (NM_032957.5); short protein forms I472N, I695N, I719N.
Identifiers: ClinVar variation 3371369 (VCV003371369.1).
Genomic context (GRCh38, chr20:63,689,808, plus strand): 5'-AGTTCCTCTCTGGGCAGGAGTGGTACCGGCAGCAGGCGTCCAGGGCTGTGAACCAGGCCA[T>A]CGGGCGAGTGATCCGGCACCGCCAGGACTACGGAGCTGTCTTCCTCTGTGACCACAGGTG-3'
Protein context (NP_001269938.1, residues 685-705): QQASRAVNQA[Ile695Asn]GRVIRHRQDY